The following is an entry in ClinVar:

NM_001429.4(EP300):c.4265T>C (p.Leu1422Ser)

Gene: EP300 (EP300 lysine acetyltransferase; plus strand). Cytogenetic location: 22q13.2.
Variant type: single nucleotide variant.
Coding change: c.4265T>C on transcript NM_001429.4 (MANE Select); coding-DNA position 4265, T replaced by C.
Protein change: p.Leu1422Ser; replaces leucine 1422 with serine.
Molecular consequence: missense variant.
Genome position (GRCh38, 1-based): chr22:41,169,595, T>C. VCF-style: chr22-41169595-T-C. GRCh37 (hg19) VCF-style: chr22-41565599-T-C.
Other names: c.4187T>C, p.Leu1396Ser (NM_001362843.2); c.4265T>C (NM_001429.3); short protein forms L1396S, L1422S.
Identifiers: ClinVar variation 3659520 (VCV003659520.3).

ClinVar aggregate classification (germline): Uncertain significance. Review status: criteria provided, multiple submitters, no conflicts (2 of 4 stars). 2 submissions from 2 submitters: Uncertain significance (2). Last evaluated 2025-03-03.

Conditions:
Rubinstein-Taybi syndrome due to EP300 haploinsufficiency. Also called: EP300-Related Rubinstein-Taybi Syndrome; RUBINSTEIN-TAYBI SYNDROME 2. Identifiers: Orphanet 353284, Orphanet 783, MedGen C3150941, MONDO:0013364, OMIM 613684.
Inborn genetic diseases. Identifiers: MedGen C0950123, MeSH D030342.

gnomAD v4.1: 2 of 1,602,554 alleles (0.00012%); no homozygotes.

Submissions (2):

Ambry Genetics
Classification: Uncertain significance for Inborn genetic diseases. Last evaluated: 2025-03-03. Review status: criteria provided, single submitter. Criteria: Ambry Variant Classification Scheme 2023. Collection method: clinical testing. Allele origin: germline.

Labcorp Genetics (formerly Invitae), Labcorp
Classification: Uncertain significance for Rubinstein-Taybi syndrome due to EP300 haploinsufficiency. Last evaluated: 2024-12-19. Review status: criteria provided, single submitter. Criteria: Invitae Variant Classification Sherloc (09022015). Collection method: clinical testing. Allele origin: germline.
Comment: This sequence change replaces leucine, which is neutral and non-polar, with serine, which is neutral and polar, at codon 1422 of the EP300 protein (p.Leu1422Ser). This variant is not present in population databases (gnomAD no frequency). This variant has not been reported in the literature in individuals affected with EP300-related conditions. Invitae Evidence Modeling of protein sequence and biophysical properties (such as structural, functional, and spatial information, amino acid conservation, physicochemical variation, residue mobility, and thermodynamic stability) indicates that this missense variant is expected to disrupt EP300 protein function with a positive predictive value of 80%. In summary, the available evidence is currently insufficient to determine the role of this variant in disease. Therefore, it has been classified as a Variant of Uncertain Significance.